The following is an entry in ClinVar:

NM_001170700.3(DTHD1):c.1967A>C (p.Asp656Ala)

Gene: DTHD1 (death domain containing 1; plus strand). Cytogenetic location: 4p14.
Variant type: single nucleotide variant.
Coding change: c.1967A>C on transcript NM_001170700.3 (MANE Select); coding-DNA position 1967, A replaced by C.
Protein change: p.Asp656Ala; replaces aspartic acid 656 with alanine.
Molecular consequence: missense variant. On other transcripts: non-coding transcript variant (2).
Genome position (GRCh38, 1-based): chr4:36,308,365, A>C. VCF-style: chr4-36308365-A-C. GRCh37 (hg19) VCF-style: chr4-36309987-A-C.
Other names: c.1097A>C, p.Asp366Ala (NM_001136536.5); c.1034A>C, p.Asp345Ala (NM_001378435.1); short protein forms D345A, D366A, D656A.
Identifiers: ClinVar variation 1382881 (VCV001382881.8), dbSNP rs1757181006, ClinGen allele CA356681008.

ClinVar aggregate classification (germline): Uncertain significance (1 of 4 stars; one submission).

Submission:

Labcorp Genetics (formerly Invitae), Labcorp
Classification: Uncertain significance. Last evaluated: 2024-02-05. Review status: criteria provided, single submitter. Criteria: Invitae Variant Classification Sherloc (09022015). Collection method: clinical testing. Allele origin: germline.
Comment: This sequence change replaces aspartic acid, which is acidic and polar, with alanine, which is neutral and non-polar, at codon 366 of the DTHD1 protein (p.Asp366Ala). This variant is not present in population databases (gnomAD no frequency). This variant has not been reported in the literature in individuals affected with DTHD1-related conditions. ClinVar contains an entry for this variant (Variation ID: 1382881). An algorithm developed to predict the effect of missense changes on protein structure and function (PolyPhen-2) suggests that this variant is likely to be tolerated. In summary, the available evidence is currently insufficient to determine the role of this variant in disease. Therefore, it has been classified as a Variant of Uncertain Significance.